The following is an entry in ClinVar:

NM_001127649.3(PEX26):c.*167G>A

Gene: PEX26 (peroxisomal biogenesis factor 26; plus strand). Cytogenetic location: 22q11.21.
Variant type: single nucleotide variant.
Coding change: c.*167G>A on transcript NM_001127649.3 (MANE Select); 167 bases downstream of the stop codon, G replaced by A.
Molecular consequence: 3 prime UTR variant.
Genome position (GRCh38, 1-based): chr22:18,088,242, G>A. VCF-style: chr22-18088242-G-A. GRCh37 (hg19) VCF-style: chr22-18571008-G-A.
Other names: NC_000022.10:g.18571008G>A; c.*167G>A (NM_001199319.2, NM_017929.6).
Identifiers: ClinVar variation 340761 (VCV000340761.9), dbSNP rs464385, ClinGen allele CA10093512.

ClinVar aggregate classification (germline): Benign. Review status: criteria provided, multiple submitters, no conflicts (2 of 4 stars). 3 submissions from 3 submitters: Benign (3). Last evaluated 2018-08-07.

Conditions:
Peroxisome biogenesis disorder 7A (Zellweger). Also called: Peroxisome biogenesis disorder 7A. Identifiers: Orphanet 912, MedGen C3888385, MONDO:0013938, OMIM 614872.

Allele frequency attached by ClinVar (database versions not stated): 1000 Genomes Project 30x 0.42099; 1000 Genomes Project 0.42272; TOPMed 0.49445; gnomAD 0.52028 and 0.52045; gnomAD exomes 0.54351; ExAC 0.61330.
gnomAD v4.1: 406,191 of 709,766 alleles (57%); highest among the groups gnomAD compares: Non-Finnish European, 63%; 120,801 homozygotes.

Submissions (4):

GeneDx
Classification: Benign. Last evaluated: 2018-08-07. Review status: criteria provided, single submitter. Criteria: GeneDx Variant Classification Process June 2021. Collection method: clinical testing. Allele origin: germline. Affected: yes.

Illumina Laboratory Services, Illumina
Classification: Benign for Peroxisome biogenesis disorder 7A (Zellweger). Last evaluated: 2018-01-13. Review status: criteria provided, single submitter. Criteria: ICSL Variant Classification Criteria 13 December 2019. Collection method: clinical testing. Allele origin: germline.
Comment: This variant was observed in the ICSL laboratory as part of a predisposition screen in an ostensibly healthy population. It had not been previously curated by ICSL or reported in the Human Gene Mutation Database (HGMD: prior to June 1st, 2018), and was therefore a candidate for classification through an automated scoring system. Utilizing variant allele frequency, disease prevalence and penetrance estimates, and inheritance mode, an automated score was calculated to assess if this variant is too frequent to cause the disease. Based on the score and internal cut-off values, a variant classified as benign is not then subjected to further curation. The score for this variant resulted in a classification of benign for this disease.

Breakthrough Genomics
Classification: Benign. Review status: criteria provided, single submitter. Criteria: ACMG Guidelines, 2015. Collection method: not provided. Allele origin: germline. Inheritance: Autosomal recessive inheritance. Affected: yes.

Dr. Peter K. Rogan Lab, Western University
No classification provided (evidence only). Condition: Nonpapillary renal cell carcinoma. Review status: no classification provided. Collection method: in vitro. Allele origin: not applicable. Functional consequence: retained intron. Not counted in ClinVar's aggregate classification.